The following is an entry in ClinVar:

ClinVar aggregate classification (germline): Uncertain significance (1 of 4 stars; one submission).

Conditions:
Lethal congenital glycogen storage disease of heart. Also called: GLYCOGEN STORAGE DISEASE OF HEART; PHOSPHORYLASE KINASE DEFICIENCY OF HEART. Identifiers: Orphanet 439854, MedGen C1849813, MONDO:0009867, OMIM 261740.

Submission:

Labcorp Genetics (formerly Invitae), Labcorp
Classification: Uncertain significance for Lethal congenital glycogen storage disease of heart. Last evaluated: 2024-06-26. Review status: criteria provided, single submitter. Criteria: Invitae Variant Classification Sherloc (09022015). Collection method: clinical testing. Allele origin: germline.
Comment: This sequence change replaces isoleucine, which is neutral and non-polar, with threonine, which is neutral and polar, at codon 430 of the PRKAG2 protein (p.Ile430Thr). This variant is not present in population databases (gnomAD no frequency). This variant has not been reported in the literature in individuals affected with PRKAG2-related conditions. Advanced modeling of protein sequence and biophysical properties (such as structural, functional, and spatial information, amino acid conservation, physicochemical variation, residue mobility, and thermodynamic stability) performed at Invitae indicates that this missense variant is expected to disrupt PRKAG2 protein function with a positive predictive value of 80%. In summary, the available evidence is currently insufficient to determine the role of this variant in disease. Therefore, it has been classified as a Variant of Uncertain Significance.

NM_016203.4(PRKAG2):c.1289T>C (p.Ile430Thr)

Gene: PRKAG2 (protein kinase AMP-activated non-catalytic subunit gamma 2; minus strand). Cytogenetic location: 7q36.1.
Variant type: single nucleotide variant.
Coding change: c.1289T>C on transcript NM_016203.4 (MANE Select); coding-DNA position 1289, T replaced by C.
Protein change: p.Ile430Thr; replaces isoleucine 430 with threonine.
Molecular consequence: missense variant.
Genome position (GRCh38, 1-based): chr7:151,565,830, A>G on the plus strand (T>C on the coding strand, the complement: PRKAG2 is on the minus strand). VCF-style: chr7-151565830-A-G. GRCh37 (hg19) VCF-style: chr7-151262916-A-G.
Other names: c.1157T>C, p.Ile386Thr (NM_001040633.2, NM_001407024.1); c.914T>C, p.Ile305Thr (NM_001304527.2, NM_001407029.1); c.566T>C, p.Ile189Thr (NM_001304531.2, NM_001407034.1, NM_001407035.1 and 1 more transcripts); c.917T>C, p.Ile306Thr (NM_001363698.2, NM_001407028.1); c.1289T>C, p.Ile430Thr (NM_001407021.1); c.1286T>C, p.Ile429Thr (NM_001407022.1, NM_001407023.1); c.1154T>C, p.Ile385Thr (NM_001407026.1, NM_001407027.1); c.1001T>C, p.Ile334Thr (NM_001407030.1); and 6 more; short protein forms I333T, I334T, I385T, I386T, I205T, I209T, I306T, I429T.
Identifiers: ClinVar variation 2804348 (VCV002804348.3), dbSNP rs2536297089, ClinGen allele CA370071095.